The following is an entry in ClinVar:

ClinVar aggregate classification (germline): Uncertain significance. Review status: criteria provided, multiple submitters, no conflicts (2 of 4 stars). 4 submissions from 4 submitters: Uncertain significance (3). 1 of the submissions does not count toward it. Last evaluated 2023-09-29.

Conditions:
Inborn genetic diseases. Identifiers: MedGen C0950123, MeSH D030342.
Mucopolysaccharidosis type 1. Also called: IDUA deficiency; MPS I. Identifiers: Orphanet 579, MedGen C0023786, MONDO:0001586.

Allele frequency attached by ClinVar (database versions not stated): gnomAD exomes below 0.00001; TOPMed below 0.00001; gnomAD 0.00001.

Submissions (4):

Ambry Genetics
Classification: Uncertain significance for Inborn genetic diseases. Last evaluated: 2023-09-29. Review status: criteria provided, single submitter. Criteria: Ambry Variant Classification Scheme 2023. Collection method: clinical testing. Allele origin: germline.

Labcorp Genetics (formerly Invitae), Labcorp
Classification: Uncertain significance for Mucopolysaccharidosis type 1. Last evaluated: 2021-09-01. Review status: criteria provided, single submitter. Criteria: Invitae Variant Classification Sherloc (09022015). Collection method: clinical testing. Allele origin: germline.
Comment: This sequence change replaces proline with leucine at codon 376 of the IDUA protein (p.Pro376Leu). The proline residue is highly conserved and there is a moderate physicochemical difference between proline and leucine. This variant is not present in population databases (ExAC no frequency). This variant has not been reported in the literature in individuals affected with IDUA-related conditions. Algorithms developed to predict the effect of missense changes on protein structure and function are either unavailable or do not agree on the potential impact of this missense change (SIFT: "Deleterious"; PolyPhen-2: "Possibly Damaging"; Align-GVGD: "Class C0"). In summary, the available evidence is currently insufficient to determine the role of this variant in disease. Therefore, it has been classified as a Variant of Uncertain Significance.

Revvity Omics, Revvity
Classification: Uncertain significance. Last evaluated: 2020-08-31. Review status: criteria provided, single submitter. Criteria: ACMG Guidelines, 2015. Collection method: clinical testing. Allele origin: germline.

Natera, Inc.
Classification: Uncertain significance for Mucopolysaccharidosis type I. Last evaluated: 2020-09-11. Review status: no assertion criteria provided. Collection method: clinical testing. Allele origin: germline. Not counted in ClinVar's aggregate classification.

NM_000203.5(IDUA):c.1127C>T (p.Pro376Leu)

Gene: IDUA (alpha-L-iduronidase; plus strand). Cytogenetic location: 4p16.3.
Variant type: single nucleotide variant.
Coding change: c.1127C>T on transcript NM_000203.5 (MANE Select); coding-DNA position 1127, C replaced by T.
Protein change: p.Pro376Leu; replaces proline 376 with leucine.
Molecular consequence: missense variant. On other transcripts: non-coding transcript variant (1).
Genome position (GRCh38, 1-based): chr4:1,002,423, C>T. VCF-style: chr4-1002423-C-T. GRCh37 (hg19) VCF-style: chr4-996211-C-T.
Other names: c.1127C>T (NM_000203.3); c.731C>T, p.Pro244Leu (NM_001363576.1); short protein forms P244L, P376L.
Identifiers: ClinVar variation 1021973 (VCV001021973.10), dbSNP rs1038727823, ClinGen allele CA91169270.